The following is an entry in ClinVar:

NM_000481.4(AMT):c.987del (p.Met330fs)

Gene: AMT (aminomethyltransferase; minus strand). Cytogenetic location: 3p21.31.
Variant type: Deletion.
Coding change: c.987del on transcript NM_000481.4 (MANE Select); coding-DNA position 987, one base deleted (C; older notation c.987delC).
Protein change: p.Met330fs; shifts the reading frame from methionine 330.
Molecular consequence: frameshift variant. On other transcripts: non-coding transcript variant (1).
Genome position (GRCh38, 1-based): chr3:49,417,864, G deleted on the plus strand (C on the coding strand, the reverse complement: AMT is on the minus strand); the first of 5 consecutive G bases (chr3:49,417,864-49,417,868); deleting any one gives the same sequence. VCF-style (leftmost placement, unchanged base first): chr3-49417863-TG-T. GRCh37 (hg19) VCF-style: chr3-49455296-TG-T.
Other names: c.855del, p.Met286fs (NM_001164710.2); c.819del, p.Met274fs (NM_001164711.2); c.987del, p.Met330fs (NM_001164712.2); short protein forms M286fs, M274fs, M330fs.
Identifiers: ClinVar variation 809487 (VCV000809487.48), dbSNP rs1278265933, ClinGen allele CA543049520.

ClinVar aggregate classification (germline): Pathogenic/Likely pathogenic. Review status: criteria provided, multiple submitters, no conflicts (2 of 4 stars). 3 submissions from 3 submitters: Pathogenic (1); Likely pathogenic (2). Last evaluated 2022-02-27.

Conditions:
Glycine encephalopathy. Also called: Non-ketotic hyperglycinemia; Nonketotic hyperglycinemia. Identifiers: Orphanet 407, MedGen C0751748, MONDO:0011612, HP:0008288.

Submissions (3):

Labcorp Genetics (formerly Invitae), Labcorp
Classification: Pathogenic for Glycine encephalopathy. Last evaluated: 2022-02-27. Review status: criteria provided, single submitter. Criteria: Invitae Variant Classification Sherloc (09022015). Collection method: clinical testing. Allele origin: germline.
Comment: This sequence change creates a premature translational stop signal (p.Met330Cysfs*8) in the AMT gene. While this is not anticipated to result in nonsense mediated decay, it is expected to disrupt the last 74 amino acid(s) of the AMT protein. This variant is not present in population databases (gnomAD no frequency). This premature translational stop signal has been observed in individual(s) with glycine encephalopathy (PMID: 27362913). ClinVar contains an entry for this variant (Variation ID: 809487). This variant disrupts a region of the AMT protein in which other variant(s) (p.Tyr369*) have been determined to be pathogenic (PMID: 27362913). This suggests that this is a clinically significant region of the protein, and that variants that disrupt it are likely to be disease-causing. For these reasons, this variant has been classified as Pathogenic.

Fulgent Genetics
Classification: Likely pathogenic for Glycine encephalopathy 1. Last evaluated: 2022-01-12. Review status: criteria provided, single submitter. Criteria: ACMG Guidelines, 2015. Collection method: clinical testing. Allele origin: unknown.

CeGaT Center for Human Genetics Tuebingen
Classification: Likely pathogenic. Last evaluated: 2016-05-01. Review status: criteria provided, single submitter. Criteria: CeGaT Center For Human Genetics Tuebingen Variant Classification Criteria Version 2. Collection method: clinical testing. Allele origin: germline. Affected: yes. Observed: 1 variant allele.

Literature cited by the submitters: PubMed 27362913 (cited by Labcorp Genetics (formerly Invitae), Labcorp).